The following is an entry in ClinVar:

NM_004656.4(BAP1):c.1891-17A>G

Gene: BAP1 (BRCA1 associated deubiquitinase 1; minus strand). Cytogenetic location: 3p21.1.
Variant type: single nucleotide variant.
Coding change: c.1891-17A>G on transcript NM_004656.4 (MANE Select); 17 bases into the intron before coding-DNA position 1891, A replaced by G.
Molecular consequence: intron variant.
Genome position (GRCh38, 1-based): chr3:52,402,888, T>C on the plus strand (A>G on the coding strand, the complement: BAP1 is on the minus strand). VCF-style: chr3-52402888-T-C. GRCh37 (hg19) VCF-style: chr3-52436904-T-C.
Identifiers: ClinVar variation 490823 (VCV000490823.5), dbSNP rs1326712142, ClinGen allele CA353097204.

ClinVar aggregate classification (germline): Conflicting classifications of pathogenicity. Review status: criteria provided, conflicting classifications (1 of 4 stars). 2 submissions from 2 submitters: Uncertain significance (1); Likely benign (1). Last evaluated 2024-06-21.

Conditions:
BAP1-related tumor predisposition syndrome (TPDS1). Also called: Tumor susceptibility linked to germline BAP1 mutations; BAP1 tumor predisposition syndrome; COMMON Syndrome; TUMOR PREDISPOSITION SYNDROME 1. Identifiers: Orphanet 289539, MedGen C3280492, MONDO:0013692, OMIM 614327.
Hereditary cancer-predisposing syndrome. Also called: Hereditary Cancer Syndrome; Neoplastic Syndromes, Hereditary; Tumor predisposition; Hereditary neoplastic syndrome. Identifiers: Orphanet 140162, MedGen C0027672, MeSH D009386, MONDO:0015356.

Allele frequency attached by ClinVar (database versions not stated): gnomAD exomes below 0.00001.

Submissions (2):

Labcorp Genetics (formerly Invitae), Labcorp
Classification: Uncertain significance for BAP1-related tumor predisposition syndrome. Last evaluated: 2024-06-21. Review status: criteria provided, single submitter. Criteria: Invitae Variant Classification Sherloc (09022015). Collection method: clinical testing. Allele origin: germline.
Comment: This sequence change falls in intron 14 of the BAP1 gene. It does not directly change the encoded amino acid sequence of the BAP1 protein. RNA analysis indicates that this variant induces altered splicing and likely results in the gain of 23 amino acid residue(s), but is expected to preserve the integrity of the reading-frame. This variant is present in population databases (no rsID available, gnomAD 0.0009%). This variant has not been reported in the literature in individuals affected with BAP1-related conditions. ClinVar contains an entry for this variant (Variation ID: 490823). Studies have shown that this variant results in the activation of a cryptic splice site in intron 14 (Invitae). In summary, the available evidence is currently insufficient to determine the role of this variant in disease. Therefore, it has been classified as a Variant of Uncertain Significance.

Color Diagnostics, LLC DBA Color Health
Classification: Likely benign for Hereditary cancer-predisposing syndrome. Last evaluated: 2017-06-08. Review status: criteria provided, single submitter. Criteria: ACMG Guidelines, 2015. Collection method: clinical testing. Allele origin: germline.